The following is an entry in ClinVar:

ClinVar aggregate classification (germline): Uncertain significance (1 of 4 stars; one submission).

Allele frequency attached by ClinVar (database versions not stated): gnomAD exomes below 0.00001 and 0.00001; TOPMed below 0.00001; gnomAD 0.00001; 1000 Genomes Project 30x 0.00031; 1000 Genomes Project 0.00040.
gnomAD v4.1: 3 of 1,613,280 alleles (0.00019%); highest among the groups gnomAD compares: East Asian, 0.0067%; no homozygotes.

Submission:

Labcorp Genetics (formerly Invitae), Labcorp
Classification: Uncertain significance. Last evaluated: 2025-09-02. Review status: criteria provided, single submitter. Criteria: Invitae Variant Classification Sherloc (09022015). Collection method: clinical testing. Allele origin: germline.
Comment: This sequence change replaces serine, which is neutral and polar, with glycine, which is neutral and non-polar, at codon 387 of the ITGAM protein (p.Ser387Gly). The frequency data for this variant in the population databases is considered unreliable, as metrics indicate poor data quality at this position in the gnomAD database. This variant has not been reported in the literature in individuals affected with ITGAM-related conditions. ClinVar contains an entry for this variant (Variation ID: 1417680). An algorithm developed to predict the effect of missense changes on protein structure and function (PolyPhen-2) suggests that this variant is likely to be tolerated. In summary, the available evidence is currently insufficient to determine the role of this variant in disease. Therefore, it has been classified as a Variant of Uncertain Significance.

NM_000632.4(ITGAM):c.1159A>G (p.Ser387Gly)

Gene: ITGAM (integrin subunit alpha M; plus strand). Cytogenetic location: 16p11.2.
Variant type: single nucleotide variant.
Coding change: c.1159A>G on transcript NM_000632.4 (MANE Select); coding-DNA position 1159, A replaced by G.
Protein change: p.Ser387Gly; replaces serine 387 with glycine.
Molecular consequence: missense variant.
Genome position (GRCh38, 1-based): chr16:31,276,995, A>G. VCF-style: chr16-31276995-A-G. GRCh37 (hg19) VCF-style: chr16-31288316-A-G.
Other names: c.1159A>G, p.Ser387Gly (NM_001145808.2); short protein forms S387G.
Identifiers: ClinVar variation 1417680 (VCV001417680.6), dbSNP rs575924334, ClinGen allele CA280606022.